The following is an entry in ClinVar:

ClinVar aggregate classification (germline): Uncertain significance (1 of 4 stars; one submission).

Conditions:
Exostoses, multiple, type 2 (EXT2). Also called: Hereditary Multiple Osteochondromatosis, Type II; EXOSTOSES, MULTIPLE, TYPE II. Identifiers: Orphanet 321, MedGen C1851413, MONDO:0007586, OMIM 133701.

Allele frequency attached by ClinVar (database versions not stated): gnomAD exomes below 0.00001; ExAC 0.00001.
gnomAD v4.1: 1 of 1,613,720 alleles (0.000062%); highest among the groups gnomAD compares: Non-Finnish European, 0.000085%; no homozygotes.

Submission:

Labcorp Genetics (formerly Invitae), Labcorp
Classification: Uncertain significance for Exostoses, multiple, type 2. Last evaluated: 2022-03-20. Review status: criteria provided, single submitter. Criteria: Invitae Variant Classification Sherloc (09022015). Collection method: clinical testing. Allele origin: germline.
Comment: In summary, the available evidence is currently insufficient to determine the role of this variant in disease. Therefore, it has been classified as a Variant of Uncertain Significance. Algorithms developed to predict the effect of missense changes on protein structure and function (SIFT, PolyPhen-2, Align-GVGD) all suggest that this variant is likely to be tolerated. This variant has not been reported in the literature in individuals affected with EXT2-related conditions. This variant is present in population databases (rs762335965, gnomAD 0.0009%). This sequence change replaces threonine, which is neutral and polar, with isoleucine, which is neutral and non-polar, at codon 164 of the EXT2 protein (p.Thr164Ile).

NM_207122.2(EXT2):c.491C>T (p.Thr164Ile)

Gene: EXT2 (exostosin glycosyltransferase 2; plus strand). Cytogenetic location: 11p11.2.
Variant type: single nucleotide variant.
Coding change: c.491C>T on transcript NM_207122.2 (MANE Select); coding-DNA position 491, C replaced by T.
Protein change: p.Thr164Ile; replaces threonine 164 with isoleucine.
Molecular consequence: missense variant.
Genome position (GRCh38, 1-based): chr11:44,108,203, C>T. VCF-style: chr11-44108203-C-T. GRCh37 (hg19) VCF-style: chr11-44129753-C-T.
Other names: c.590C>T, p.Thr197Ile (NM_000401.3); c.491C>T, p.Thr164Ile (NM_001178083.3, NM_001389628.1, NM_001389630.1); short protein forms T164I, T197I.
Identifiers: ClinVar variation 2163621 (VCV002163621.4), dbSNP rs762335965, ClinGen allele CA5954897.